The following is an entry in ClinVar:

NM_005732.4(RAD50):c.2638A>G (p.Asn880Asp)

Gene: RAD50 (RAD50 double strand break repair protein; plus strand). Cytogenetic location: 5q31.1.
Variant type: single nucleotide variant.
Coding change: c.2638A>G on transcript NM_005732.4 (MANE Select); coding-DNA position 2638, A replaced by G.
Protein change: p.Asn880Asp; replaces asparagine 880 with aspartic acid.
Molecular consequence: missense variant.
Genome position (GRCh38, 1-based): chr5:132,604,919, A>G. VCF-style: chr5-132604919-A-G. GRCh37 (hg19) VCF-style: chr5-131940611-A-G.
Other names: short protein forms N880D.
Identifiers: ClinVar variation 2846171 (VCV002846171.3), dbSNP rs2479668538, ClinGen allele CA360956675.

ClinVar aggregate classification (germline): Uncertain significance (1 of 4 stars; one submission).

Conditions:
Hereditary cancer-predisposing syndrome. Also called: Neoplastic Syndromes, Hereditary; Hereditary Cancer Syndrome; Hereditary neoplastic syndrome; Tumor predisposition. Identifiers: Orphanet 140162, MedGen C0027672, MeSH D009386, MONDO:0015356.

Submission:

Labcorp Genetics (formerly Invitae), Labcorp
Classification: Uncertain significance for Hereditary cancer-predisposing syndrome. Last evaluated: 2023-03-16. Review status: criteria provided, single submitter. Criteria: Invitae Variant Classification Sherloc (09022015). Collection method: clinical testing. Allele origin: germline.
Comment: This variant is not present in population databases (gnomAD no frequency). This sequence change replaces asparagine, which is neutral and polar, with aspartic acid, which is acidic and polar, at codon 880 of the RAD50 protein (p.Asn880Asp). Advanced modeling of protein sequence and biophysical properties (such as structural, functional, and spatial information, amino acid conservation, physicochemical variation, residue mobility, and thermodynamic stability) performed at Invitae indicates that this missense variant is not expected to disrupt RAD50 protein function. This variant has not been reported in the literature in individuals affected with RAD50-related conditions. In summary, the available evidence is currently insufficient to determine the role of this variant in disease. Therefore, it has been classified as a Variant of Uncertain Significance.